The following is an entry in ClinVar:

ClinVar aggregate classification (germline): Uncertain significance. Review status: criteria provided, multiple submitters, no conflicts (2 of 4 stars). 2 submissions from 2 submitters: Uncertain significance (2). Last evaluated 2024-09-11.

Conditions:
Inborn genetic diseases. Identifiers: MedGen C0950123, MeSH D030342.

Allele frequency attached by ClinVar (database versions not stated): gnomAD exomes below 0.00001.
gnomAD v4.1: 2 of 1,614,102 alleles (0.00012%); highest among the groups gnomAD compares: Admixed American, 0.0017%; no homozygotes.

Submissions (2):

Ambry Genetics
Classification: Uncertain significance for Inborn genetic diseases. Last evaluated: 2024-09-11. Review status: criteria provided, single submitter. Criteria: Ambry Variant Classification Scheme 2023. Collection method: clinical testing. Allele origin: germline.

GeneDx
Classification: Uncertain significance. Last evaluated: 2022-03-13. Review status: criteria provided, single submitter. Criteria: GeneDx Variant Classification Process June 2021. Collection method: clinical testing. Allele origin: germline. Affected: yes.
Comment: Not observed at significant frequency in large population cohorts (gnomAD); In silico analysis supports that this missense variant has a deleterious effect on protein structure/function; Has not been previously published as pathogenic or benign to our knowledge

NM_001394062.1(MACF1):c.14020C>T (p.Arg4674Cys)

Gene: MACF1 (microtubule actin crosslinking factor 1; plus strand). Cytogenetic location: 1p34.3.
Variant type: single nucleotide variant.
Coding change: c.14020C>T on transcript NM_001394062.1 (MANE Select); coding-DNA position 14020, C replaced by T.
Protein change: p.Arg4674Cys; replaces arginine 4674 with cysteine.
Molecular consequence: missense variant.
Genome position (GRCh38, 1-based): chr1:39,385,605, C>T. VCF-style: chr1-39385605-C-T. GRCh37 (hg19) VCF-style: chr1-39851277-C-T.
Other names: c.7834C>T, p.Arg2612Cys (NM_012090.5); c.7834C>T (NM_012090.4); short protein forms R2612C, R4674C.
Identifiers: ClinVar variation 1706413 (VCV001706413.3), dbSNP rs200187833, ClinGen allele CA20940842.